The following is an entry in ClinVar:

NM_000038.6(APC):c.7510T>G (p.Trp2504Gly)

Gene: APC (APC regulator of Wnt signaling pathway; plus strand). Cytogenetic location: 5q22.2.
Variant type: single nucleotide variant.
Coding change: c.7510T>G on transcript NM_000038.6 (MANE Select); coding-DNA position 7510, T replaced by G.
Protein change: p.Trp2504Gly; replaces tryptophan 2504 with glycine.
Molecular consequence: missense variant. On other transcripts: non-coding transcript variant (2).
Genome position (GRCh38, 1-based): chr5:112,843,104, T>G. VCF-style: chr5-112843104-T-G. GRCh37 (hg19) VCF-style: chr5-112178801-T-G.
Other names: c.7510T>G, p.Trp2504Gly (NM_001127510.3, NM_001354895.2, NM_001407450.1); c.7456T>G, p.Trp2486Gly (NM_001127511.3); c.7564T>G, p.Trp2522Gly (NM_001354896.2, NM_001407447.1, NM_001407448.1 and 1 more transcripts); c.7540T>G, p.Trp2514Gly (NM_001354897.2); c.7435T>G, p.Trp2479Gly (NM_001354898.2); c.7426T>G, p.Trp2476Gly (NM_001354899.2); c.7387T>G, p.Trp2463Gly (NM_001354900.2); c.7333T>G, p.Trp2445Gly (NM_001354901.2, NM_001407453.1); and 11 more; short protein forms W2403G, W2421G, W2479G, W2504G, W2221G, W2344G, W2445G, W2494G.
Identifiers: ClinVar variation 3412289 (VCV003412289.1).

ClinVar aggregate classification (germline): Uncertain significance (1 of 4 stars; one submission).

Conditions:
Hereditary cancer-predisposing syndrome. Also called: Neoplastic Syndromes, Hereditary; Tumor predisposition; Hereditary Cancer Syndrome; Hereditary neoplastic syndrome. Identifiers: Orphanet 140162, MedGen C0027672, MeSH D009386, MONDO:0015356.

Submission:

Ambry Genetics
Classification: Uncertain significance for Hereditary cancer-predisposing syndrome. Last evaluated: 2024-11-14. Review status: criteria provided, single submitter. Criteria: Ambry Variant Classification Scheme 2023. Collection method: clinical testing. Allele origin: germline.
Comment: The p.W2504G variant (also known as c.7510T>G), located in coding exon 15 of the APC gene, results from a T to G substitution at nucleotide position 7510. The tryptophan at codon 2504 is replaced by glycine, an amino acid with highly dissimilar properties. This amino acid position is conserved. In addition, in silico predictors for this gene do not accurately predict pathogenicity. Based on the available evidence, the clinical significance of this variant remains unclear.